The following is an entry in ClinVar:

NM_000501.4(ELN):c.1781A>T (p.Lys594Ile)

Genes: ELN-AS1 (ELN antisense RNA 1; minus strand), ELN (elastin; plus strand). Cytogenetic location: 7q11.23.
Variant type: single nucleotide variant.
Coding change: c.1781A>T on transcript NM_000501.4 (MANE Select); coding-DNA position 1781, A replaced by T.
Protein change: p.Lys594Ile; replaces lysine 594 with isoleucine.
Molecular consequence: missense variant.
Genome position (GRCh38, 1-based): chr7:74,061,134, A>T. VCF-style: chr7-74061134-A-T. GRCh37 (hg19) VCF-style: chr7-73475464-A-T.
Other names: c.1694A>T, p.Lys565Ile (NM_001081752.3); c.1739A>T, p.Lys580Ile (NM_001081753.3); c.1796A>T, p.Lys599Ile (NM_001081754.3); c.1724A>T, p.Lys575Ile (NM_001081755.3); c.1781A>T, p.Lys594Ile (NM_001278912.2); c.1538A>T, p.Lys513Ile (NM_001278913.2); c.1709A>T, p.Lys570Ile (NM_001278914.2); c.1799A>T, p.Lys600Ile (NM_001278915.2); and 4 more; short protein forms K656I, K594I, K565I, K575I, K570I, K580I, K584I, K505I.
Identifiers: ClinVar variation 453325 (VCV000453325.9), dbSNP rs782679448, ClinGen allele CA367887804.
Genomic context (GRCh38, chr7:74,061,134, plus strand): 5'-CACTCCCCAACTTTTCTTTCTCCCCAGTACCTGGAGCCCTGGCTGCCGCTAAAGCAGCCA[A>T]ATATGGTGAGTGCACCCCACAACCACTTGTGGCTCCCTTGCCACCACACCATCCCTGACA-3'
Protein context (NP_000492.2, residues 584-604): PGALAAAKAA[Lys594Ile]YGAAVPGVLG

ClinVar aggregate classification (germline): Uncertain significance (1 of 4 stars; one submission).

Conditions:
Supravalvar aortic stenosis (SVAS). Also called: Supravalvar aortic stenosis, Eisenberg type. Identifiers: Orphanet 3193, MedGen C0003499, MONDO:0008504, OMIM 185500, HP:0004381.

Allele frequency attached by ClinVar (database versions not stated): TOPMed below 0.00001.

Submission:

Labcorp Genetics (formerly Invitae), Labcorp
Classification: Uncertain significance for Supravalvar aortic stenosis. Last evaluated: 2020-02-11. Review status: criteria provided, single submitter. Criteria: Invitae Variant Classification Sherloc (09022015). Collection method: clinical testing. Allele origin: germline.
Comment: In summary, the available evidence is currently insufficient to determine the role of this variant in disease. Therefore, it has been classified as a Variant of Uncertain Significance. Algorithms developed to predict the effect of missense changes on protein structure and function (SIFT, Align-GVGD) suggest that this variant is likely to be tolerated, but these predictions have not been confirmed by published functional studies and their clinical significance is uncertain. This variant has not been reported in the literature in individuals with ELN-related disease. This variant is not present in population databases (ExAC no frequency). This sequence change replaces lysine with isoleucine at codon 656 of the ELN protein (p.Lys656Ile). The lysine residue is moderately conserved and there is a moderate physicochemical difference between lysine and isoleucine.